The following is an entry in ClinVar:

ClinVar aggregate classification (germline): Conflicting classifications of pathogenicity. Review status: criteria provided, conflicting classifications (1 of 4 stars). 6 submissions from 6 submitters: Uncertain significance (2); Likely benign (3). 1 of the submissions does not count toward it. Last evaluated 2026-02-02.

Conditions:
Glycogen storage disease, type II (IOPD). Also called: POMPE DISEASE, INFANTILE-ONSET; GLYCOGEN STORAGE DISEASE II, INFANTILE-ONSET; ACID ALPHA-GLUCOSIDASE DEFICIENCY, INFANTILE-ONSET; GAA DEFICIENCY, INFANTILE-ONSET; ACID MALTASE DEFICIENCY, INFANTILE-ONSET; CARDIOMEGALIA GLYCOGENICA DIFFUSA. Identifiers: Orphanet 365, MedGen C0017921, MONDO:0009290, OMIM 232300.

Allele frequency attached by ClinVar (database versions not stated): gnomAD exomes 0.00003 and 0.00008; ExAC 0.00011; ESP Exome Variant Server 0.00015; gnomAD 0.00022 and 0.00026; TOPMed 0.00039.
gnomAD v4.1: 79 of 1,612,896 alleles (0.0049%); highest among the groups gnomAD compares: African/African-American, 0.097%; no homozygotes.

Submissions (6):

Labcorp Genetics (formerly Invitae), Labcorp
Classification: Likely benign for Glycogen storage disease, type II. Last evaluated: 2026-02-02. Review status: criteria provided, single submitter. Criteria: Invitae Variant Classification Sherloc (09022015). Collection method: clinical testing. Allele origin: germline.

Mayo Clinic Laboratories, Mayo Clinic
Classification: Uncertain significance. Last evaluated: 2020-09-17. Review status: criteria provided, single submitter. Criteria: ACMG Guidelines, 2015. Collection method: clinical testing. Allele origin: germline. Observed: 1 variant allele.

Broad Center for Mendelian Genomics, Broad Institute of MIT and Harvard
Classification: Likely benign for Glycogen storage disease, type II. Last evaluated: 2020-01-22. Review status: criteria provided, single submitter. Criteria: ACMG Guidelines, 2015. Collection method: curation. Allele origin: germline. Inheritance: Autosomal recessive inheritance.
Comment: The c.2332-10C>G variant in GAA has not been previously reported in individuals with Glycogen Storage Disease II but has been reported as a VUS by EGL Genetic Diagnostics and as a likely benign variant by Invitae in ClinVar (Variation ID: 286317). This variant has been identified in 0.121% (30/24786) of African chromosomes by the Genome Aggregation Database (gnomAD; dbSNP rs373606162). Although this variant has been seen in the general population, its frequency is not high enough to rule out a pathogenic role. Computational prediction tools and conservation analyses suggest that this variant may not impact the protein, though this information is not predictive enough to rule out pathogenicity. However, novel synonymous variants supported by computational evidence without raised suspicion for an impact are likely benign (Richards 2015). In summary, although additional studies are required to fully establish its clinical significance, this variant is likely benign. ACMG/AMP Criteria applied: BP4, BP7 (Richards 2015).

GeneDx
Classification: Likely benign. Last evaluated: 2018-10-01. Review status: criteria provided, single submitter. Criteria: GeneDx Variant Classification Process June 2021. Collection method: clinical testing. Allele origin: germline. Affected: yes.

Eurofins Ntd Llc (ga)
Classification: Uncertain significance. Last evaluated: 2018-07-02. Review status: criteria provided, single submitter. Criteria: EGL ClinVar v180209 classification definitions. Collection method: clinical testing. Allele origin: germline. Observed: 3 variant alleles, 3 heterozygotes.

Natera, Inc.
Classification: Uncertain significance for Glycogen storage disease type II. Last evaluated: 2020-01-17. Review status: no assertion criteria provided. Collection method: clinical testing. Allele origin: germline. Not counted in ClinVar's aggregate classification.

NM_000152.5(GAA):c.2332-10C>G

Gene: GAA (alpha glucosidase; plus strand). Cytogenetic location: 17q25.3.
Variant type: single nucleotide variant.
Coding change: c.2332-10C>G on transcript NM_000152.5 (MANE Select); 10 bases into the intron before coding-DNA position 2332, C replaced by G.
Molecular consequence: intron variant.
Genome position (GRCh38, 1-based): chr17:80,117,590, C>G. VCF-style: chr17-80117590-C-G. GRCh37 (hg19) VCF-style: chr17-78091389-C-G.
Other names: c.2332-10C>G (NM_001079803.3, NM_001079804.3, LRG_673t1).
Identifiers: ClinVar variation 286317 (VCV000286317.25), dbSNP rs373606162, ClinGen allele CA8815712.